The following is an entry in ClinVar:

ClinVar aggregate classification (germline): Likely benign (1 of 4 stars; one submission).

gnomAD v4.1: 3,795 of 1,594,700 alleles (0.24%); highest among the groups gnomAD compares: Non-Finnish European, 0.19%; 16 homozygotes.

Submission:

CeGaT Center for Human Genetics Tuebingen
Classification: Likely benign. Last evaluated: 2026-03-01. Review status: criteria provided, single submitter. Criteria: CeGaT Center For Human Genetics Tuebingen Variant Classification Criteria Version 2. Collection method: clinical testing. Allele origin: germline. Affected: yes. Observed: 1 variant allele.
Comment: CHD6: PP2, BP4, BS2

NM_032221.5(CHD6):c.974+9A>T

Gene: CHD6 (chromodomain helicase DNA binding protein 6; minus strand). Cytogenetic location: 20q12.
Variant type: single nucleotide variant.
Coding change: c.974+9A>T on transcript NM_032221.5 (MANE Select); 9 bases into the intron after coding-DNA position 974, A replaced by T.
Molecular consequence: intron variant.
Genome position (GRCh38, 1-based): chr20:41,498,159, T>A on the plus strand (A>T on the coding strand, the complement: CHD6 is on the minus strand). VCF-style: chr20-41498159-T-A. GRCh37 (hg19) VCF-style: chr20-40126799-T-A.
Identifiers: ClinVar variation 4820991 (VCV004820991.4).